The following is an entry in ClinVar:

NM_005393.3(PLXNB3):c.4302C>T (p.Tyr1434=)

Gene: PLXNB3 (plexin B3; plus strand). Cytogenetic location: Xq28.
Variant type: single nucleotide variant.
Coding change: c.4302C>T on transcript NM_005393.3 (MANE Select); coding-DNA position 4302, C replaced by T.
Protein change: p.Tyr1434=; no amino-acid change (tyrosine 1434 retained).
Molecular consequence: synonymous variant.
Genome position (GRCh38, 1-based): chrX:153,775,371, C>T. VCF-style: chrX-153775371-C-T. GRCh37 (hg19) VCF-style: chrX-153040826-C-T.
Other names: c.4371C>T, p.Tyr1457= (NM_001163257.2).
Identifiers: ClinVar variation 2661727 (VCV002661727.24), dbSNP rs782399487, ClinGen allele CA10551561.

ClinVar aggregate classification (germline): Likely benign (1 of 4 stars; one submission).

Allele frequency attached by ClinVar (database versions not stated): TOPMed 0.00001; gnomAD 0.00005; gnomAD exomes 0.00007; ExAC 0.00020.
gnomAD v4.1: 84 of 1,207,197 alleles (0.007%); highest among the groups gnomAD compares: South Asian, 0.14%; 1 homozygote.

Submission:

CeGaT Center for Human Genetics Tuebingen
Classification: Likely benign. Last evaluated: 2022-09-01. Review status: criteria provided, single submitter. Criteria: CeGaT Center For Human Genetics Tuebingen Variant Classification Criteria Version 2. Collection method: clinical testing. Allele origin: germline. Affected: yes. Observed: 1 variant allele.
Comment: PLXNB3: BP4, BP7